The following is an entry in ClinVar:

ClinVar aggregate classification (germline): Uncertain significance (1 of 4 stars; one submission).

Submission:

Labcorp Genetics (formerly Invitae), Labcorp
Classification: Uncertain significance. Last evaluated: 2023-01-25. Review status: criteria provided, single submitter. Criteria: Invitae Variant Classification Sherloc (09022015). Collection method: clinical testing. Allele origin: germline.
Comment: In summary, the available evidence is currently insufficient to determine the role of this variant in disease. Therefore, it has been classified as a Variant of Uncertain Significance. Algorithms developed to predict the effect of missense changes on protein structure and function are either unavailable or do not agree on the potential impact of this missense change (SIFT: "Deleterious"; PolyPhen-2: "Probably Damaging"; Align-GVGD: "Class C0"). This variant has not been reported in the literature in individuals affected with CCDC8-related conditions. This variant is not present in population databases (gnomAD no frequency). This sequence change replaces proline, which is neutral and non-polar, with leucine, which is neutral and non-polar, at codon 14 of the CCDC8 protein (p.Pro14Leu).

NM_032040.5(CCDC8):c.41C>T (p.Pro14Leu)

Gene: CCDC8 (coiled-coil domain containing 8 subunit of 3M complex; minus strand). Cytogenetic location: 19q13.32.
Variant type: single nucleotide variant.
Coding change: c.41C>T on transcript NM_032040.5 (MANE Select); coding-DNA position 41, C replaced by T.
Protein change: p.Pro14Leu; replaces proline 14 with leucine.
Molecular consequence: missense variant.
Genome position (GRCh38, 1-based): chr19:46,412,770, G>A on the plus strand (C>T on the coding strand, the complement: CCDC8 is on the minus strand). VCF-style: chr19-46412770-G-A. GRCh37 (hg19) VCF-style: chr19-46916027-G-A.
Other names: short protein forms P14L.
Identifiers: ClinVar variation 2831904 (VCV002831904.3), dbSNP rs2513603068, ClinGen allele CA406464409.